The following is an entry in ClinVar:

ClinVar aggregate classification (germline): Uncertain significance. Review status: criteria provided, multiple submitters, no conflicts (2 of 4 stars). 2 submissions from 2 submitters: Uncertain significance (2). Last evaluated 2022-05-01.

Conditions:
Charcot-Marie-Tooth disease axonal type 2P. Also called: Charcot-Marie-Tooth Neuropathy Type 2G; CHARCOT-MARIE-TOOTH NEUROPATHY, TYPE 2P; CHARCOT-MARIE-TOOTH DISEASE, AXONAL, TYPE 2G; CMT 2G. Identifiers: Orphanet 300319, Orphanet 99941, MedGen C3280797, MONDO:0013753, OMIM 614436.
Charcot-Marie-Tooth disease. Also called: Charcot-Marie-Tooth Hereditary Neuropathy; Charcot-Marie-Tooth Neuropathy. Identifiers: Orphanet 166, MedGen C0007959, MONDO:0015626.

Allele frequency attached by ClinVar (database versions not stated): ExAC 0.00001; gnomAD 0.00001; gnomAD exomes 0.00001 and 0.00002; TOPMed 0.00001.

Submissions (2):

Labcorp Genetics (formerly Invitae), Labcorp
Classification: Uncertain significance for Charcot-Marie-Tooth disease axonal type 2P. Last evaluated: 2022-05-01. Review status: criteria provided, single submitter. Criteria: Invitae Variant Classification Sherloc (09022015). Collection method: clinical testing. Allele origin: germline.
Comment: This variant is present in population databases (rs749575647, gnomAD 0.01%). ClinVar contains an entry for this variant (Variation ID: 917350). This missense change has been observed in individual(s) with Charcot-Marie-Tooth disease (PMID: 32376792). This sequence change replaces arginine, which is basic and polar, with tryptophan, which is neutral and slightly polar, at codon 400 of the LRSAM1 protein (p.Arg400Trp). In summary, the available evidence is currently insufficient to determine the role of this variant in disease. Therefore, it has been classified as a Variant of Uncertain Significance. Algorithms developed to predict the effect of missense changes on protein structure and function are either unavailable or do not agree on the potential impact of this missense change (SIFT: "Deleterious"; PolyPhen-2: "Possibly Damaging"; Align-GVGD: "Class C0").

Molecular Genetics Laboratory, London Health Sciences Centre
Classification: Uncertain significance for Charcot-Marie-Tooth disease. Review status: criteria provided, single submitter. Criteria: ACMG Guidelines, 2015. Collection method: clinical testing. Allele origin: germline. Affected: yes.

Literature cited by the submitters: PubMed 32376792 (cited by Labcorp Genetics (formerly Invitae), Labcorp).

NM_001005373.4(LRSAM1):c.1198C>T (p.Arg400Trp)

Gene: LRSAM1 (leucine rich repeat and sterile alpha motif containing 1; plus strand). Cytogenetic location: 9q33.3.
Variant type: single nucleotide variant.
Coding change: c.1198C>T on transcript NM_001005373.4 (MANE Select); coding-DNA position 1198, C replaced by T.
Protein change: p.Arg400Trp; replaces arginine 400 with tryptophan.
Molecular consequence: missense variant. On other transcripts: non-coding transcript variant (2).
Genome position (GRCh38, 1-based): chr9:127,485,774, C>T. VCF-style: chr9-127485774-C-T. GRCh37 (hg19) VCF-style: chr9-130248053-C-T.
Other names: c.1198C>T, p.Arg400Trp (NM_001005374.4, NM_001190723.3, NM_001384142.1 and 2 more transcripts); c.409C>T, p.Arg137Trp (NM_001384144.1); short protein forms R400W, R137W.
Identifiers: ClinVar variation 917350 (VCV000917350.6), dbSNP rs749575647, ClinGen allele CA5246888.